The following is an entry in ClinVar:

ClinVar aggregate classification (germline): Conflicting classifications of pathogenicity. Review status: criteria provided, conflicting classifications (1 of 4 stars). 4 submissions from 4 submitters: Uncertain significance (3); Likely benign (1). Last evaluated 2024-12-13.

Conditions:
Hereditary cancer-predisposing syndrome. Also called: Neoplastic Syndromes, Hereditary; Tumor predisposition; Hereditary Cancer Syndrome; Hereditary neoplastic syndrome. Identifiers: Orphanet 140162, MedGen C0027672, MeSH D009386, MONDO:0015356.
BRCA2-related disorder. Also called: BRCA2-related condition; BRCA2-related disorders. Identifiers: MedGen CN239275.

Allele frequency attached by ClinVar (database versions not stated): gnomAD exomes below 0.00001; TOPMed below 0.00001.
gnomAD v4.1: 3 of 1,594,792 alleles (0.00019%); highest among the groups gnomAD compares: Non-Finnish European, 0.00017%; no homozygotes.

Submissions (4):

Ambry Genetics
Classification: Uncertain significance for Hereditary cancer-predisposing syndrome. Last evaluated: 2024-12-13. Review status: criteria provided, single submitter. Criteria: Ambry Variant Classification Scheme 2023. Collection method: clinical testing. Allele origin: germline.
Comment: The p.Q1452R variant (also known as c.4355A>G), located in coding exon 10 of the BRCA2 gene, results from an A to G substitution at nucleotide position 4355. The glutamine at codon 1452 is replaced by arginine, an amino acid with highly similar properties. This amino acid position is poorly conserved in available vertebrate species. In addition, this alteration is predicted to be tolerated by in silico analysis. Since supporting evidence is limited at this time, the clinical significance of this alteration remains unclear.

PreventionGenetics, part of Exact Sciences
Classification: Uncertain significance for BRCA2-related condition. Last evaluated: 2023-08-01. Review status: criteria provided, single submitter. Criteria: ACMG Guidelines, 2015. Collection method: clinical testing. Allele origin: germline.
Comment: The BRCA2 c.4355A>G variant is predicted to result in the amino acid substitution p.Gln1452Arg. To our knowledge, this variant has not been reported in the literature. This variant is reported in 0.00090% of alleles in individuals of European (Non-Finnish) descent in gnomAD. This variant has conflicting interpretations in ClinVar ranging from likely benign to uncertain. At this time, the clinical significance of this variant is uncertain due to the absence of conclusive functional and genetic evidence.

University of Washington Department of Laboratory Medicine, University of Washington
Classification: Likely benign for Hereditary cancer-predisposing syndrome. Last evaluated: 2023-03-23. Review status: criteria provided, single submitter. Criteria: Dines et al. (Genet Med. 2020). Collection method: curation. Allele origin: germline.
Comment: Missense variant in a coldspot region where missense variants are very unlikely to be pathogenic (PMID:31911673).

BRCA2 exon 11 coldspot. Reclassification based on statistical prior probability.

GeneDx
Classification: Uncertain significance. Last evaluated: 2016-07-15. Review status: criteria provided, single submitter. Criteria: GeneDx Variant Classification (06012015). Collection method: clinical testing. Allele origin: germline. Affected: yes.
Comment: This variant is denoted BRCA2 c.4355A>G at the cDNA level, p.Gln1452Arg (Q1452R) at the protein level, and results in the change of a Glutamine to an Arginine (CAG>CGG). Using alternate nomenclature, this variant would be defined as BRCA2 4583A>G. This variant has not, to our knowledge, been published in the literature as pathogenic or benign. BRCA2 Gln1452Arg was not observed in approximately 6,500 individuals of European and African American ancestry in the NHLBI Exome Sequencing Project, suggesting it is not a common benign variant in these populations. Since Glutamine and Arginine differ in some properties, this is considered a semi-conservative amino acid substitution. BRCA2 Gln1452Arg occurs at a position that is not conserved and is located in the BRC3 domain as well as the domain that binds with POLH and RAD51 (Cole 2011, Roy 2012 and Buisson 2014). In silico analyses predict that this variant is unlikely to alter protein structure or function. Based on currently available evidence, it is unclear whether BRCA2 Gln1452Arg is a pathogenic or benign variant. We consider it to be a variant of uncertain significance.

NM_000059.4(BRCA2):c.4355A>G (p.Gln1452Arg)

Gene: BRCA2 (BRCA2 DNA repair associated; plus strand). Cytogenetic location: 13q13.1.
Variant type: single nucleotide variant.
Coding change: c.4355A>G on transcript NM_000059.4 (MANE Select); coding-DNA position 4355, A replaced by G.
Protein change: p.Gln1452Arg; replaces glutamine 1452 with arginine.
Molecular consequence: missense variant.
Genome position (GRCh38, 1-based): chr13:32,338,710, A>G. VCF-style: chr13-32338710-A-G. GRCh37 (hg19) VCF-style: chr13-32912847-A-G.
Other names: short protein forms Q1452R.
Identifiers: ClinVar variation 230989 (VCV000230989.10), dbSNP rs56317927, ClinGen allele CA10579612.